The following is an entry in ClinVar:

NM_018136.5(ASPM):c.2993C>T (p.Pro998Leu)

Gene: ASPM (assembly factor for spindle microtubules; minus strand). Cytogenetic location: 1q31.3.
Variant type: single nucleotide variant.
Coding change: c.2993C>T on transcript NM_018136.5 (MANE Select); coding-DNA position 2993, C replaced by T.
Protein change: p.Pro998Leu; replaces proline 998 with leucine.
Molecular consequence: missense variant.
Genome position (GRCh38, 1-based): chr1:197,125,135, G>A on the plus strand (C>T on the coding strand, the complement: ASPM is on the minus strand). VCF-style: chr1-197125135-G-A. GRCh37 (hg19) VCF-style: chr1-197094265-G-A.
Other names: c.2993C>T, p.Pro998Leu (NM_001206846.2); short protein forms P998L.
Identifiers: ClinVar variation 2722856 (VCV002722856.3), dbSNP rs971453990, ClinGen allele CA35884692.

ClinVar aggregate classification (germline): Uncertain significance (1 of 4 stars; one submission).

Allele frequency attached by ClinVar (database versions not stated): gnomAD 0.00002; TOPMed 0.00002; gnomAD exomes 0.00003.
gnomAD v4.1: 48 of 1,613,784 alleles (0.003%); highest among the groups gnomAD compares: Middle Eastern, 0.016%; no homozygotes.

Submission:

Labcorp Genetics (formerly Invitae), Labcorp
Classification: Uncertain significance. Last evaluated: 2023-07-25. Review status: criteria provided, single submitter. Criteria: Invitae Variant Classification Sherloc (09022015). Collection method: clinical testing. Allele origin: germline.
Comment: This sequence change replaces proline, which is neutral and non-polar, with leucine, which is neutral and non-polar, at codon 998 of the ASPM protein (p.Pro998Leu). In summary, the available evidence is currently insufficient to determine the role of this variant in disease. Therefore, it has been classified as a Variant of Uncertain Significance. Advanced modeling of protein sequence and biophysical properties (such as structural, functional, and spatial information, amino acid conservation, physicochemical variation, residue mobility, and thermodynamic stability) performed at Invitae indicates that this missense variant is not expected to disrupt ASPM protein function. This variant has not been reported in the literature in individuals affected with ASPM-related conditions. This variant is present in population databases (no rsID available, gnomAD 0.002%).